The following is an entry in ClinVar:

ClinVar aggregate classification (germline): Pathogenic (1 of 4 stars; one submission).

Conditions:
Deafness-lymphedema-leukemia syndrome. Also called: Emberger syndrome; Lymphedema, primary, with myelodysplasia. Identifiers: Orphanet 3226, MedGen C3279664, MONDO:0013540, OMIM 614038.
Monocytopenia with susceptibility to infections. Also called: IMMUNODEFICIENCY 21; GATA2 DEFICIENCY; MONOCYTOPENIA AND MYCOBACTERIAL INFECTION SYNDROME; MONOCYTOPENIA WITH SUSCEPTIBILITY TO MYCOBACTERIAL, FUNGAL, AND PAPILLOMAVIRUS INFECTIONS AND MYELODYSPLASIA; COMBINED IMMUNODEFICIENCY WITH SUSCEPTIBILITY TO MYCOBACTERIAL, VIRAL, AND FUNGAL INFECTIONS; Dendritic cell, monocyte, B lymphocyte, and natural killer lymphocyte deficiency. Identifiers: Orphanet 228423, MedGen C3280030, MONDO:0013607, OMIM 614172.

Submission:

Labcorp Genetics (formerly Invitae), Labcorp
Classification: Pathogenic for Monocytopenia with susceptibility to infections; Deafness-lymphedema-leukemia syndrome. Last evaluated: 2023-07-14. Review status: criteria provided, single submitter. Criteria: Invitae Variant Classification Sherloc (09022015). Collection method: clinical testing. Allele origin: germline.
Comment: This variant disrupts a region of the GATA2 protein in which other variant(s) (p.Ser447Arg) have been determined to be pathogenic (PMID: 25619630, 26702063, 28259234, 28485484). This suggests that this is a clinically significant region of the protein, and that variants that disrupt it are likely to be disease-causing. For these reasons, this variant has been classified as Pathogenic. ClinVar contains an entry for this variant (Variation ID: 944022). This sequence change creates a premature translational stop signal (p.Ala342Glyfs*42) in the GATA2 gene. While this is not anticipated to result in nonsense mediated decay, it is expected to disrupt the last 139 amino acid(s) of the GATA2 protein. This variant is not present in population databases (gnomAD no frequency). This premature translational stop signal has been observed in individual(s) with GATA2 deficiency (PMID: 34529785).

Literature cited by the submitters: PubMed 25619630; PubMed 26702063; PubMed 28259234; PubMed 28485484; PubMed 34529785.

NM_032638.5(GATA2):c.1024dup (p.Ala342fs)

Gene: GATA2 (GATA binding protein 2; minus strand). Cytogenetic location: 3q21.3.
Variant type: Duplication.
Coding change: c.1024dup on transcript NM_032638.5 (MANE Select); coding-DNA position 1024, one base duplicated (G; older notation c.1024dupG).
Protein change: p.Ala342fs; shifts the reading frame from alanine 342.
Molecular consequence: frameshift variant. On other transcripts: intron variant (1).
Genome position (GRCh38, 1-based): chr3:128,481,938, C duplicated on the plus strand (G on the coding strand, the reverse complement: GATA2 is on the minus strand). VCF-style (leftmost placement, unchanged base first): chr3-128481937-G-GC. GRCh37 (hg19) VCF-style: chr3-128200780-G-GC.
Other names: c.1024dup, p.Ala342fs (NM_001145661.2); c.1018-36dup (NM_001145662.1); short protein forms A342fs.
Identifiers: ClinVar variation 944022 (VCV000944022.9), dbSNP rs2068635607, ClinGen allele CA1139658250.